The following is an entry in ClinVar:

NM_173630.4(RTTN):c.61G>T (p.Ala21Ser)

Gene: RTTN (rotatin; minus strand). Cytogenetic location: 18q22.2.
Variant type: single nucleotide variant.
Coding change: c.61G>T on transcript NM_173630.4 (MANE Select); coding-DNA position 61, G replaced by T.
Protein change: p.Ala21Ser; replaces alanine 21 with serine.
Molecular consequence: missense variant. On other transcripts: 5 prime UTR variant (1).
Genome position (GRCh38, 1-based): chr18:70,205,286, C>A on the plus strand (G>T on the coding strand, the complement: RTTN is on the minus strand). VCF-style: chr18-70205286-C-A. GRCh37 (hg19) VCF-style: chr18-67872522-C-A.
Other names: c.-2493G>T (NM_001318520.2); short protein forms A21S.
Identifiers: ClinVar variation 1306232 (VCV001306232.2), dbSNP rs368406992, ClinGen allele CA8996594.

ClinVar aggregate classification (germline): Uncertain significance (1 of 4 stars; one submission).

Allele frequency attached by ClinVar (database versions not stated): gnomAD 0.00002; gnomAD exomes 0.00002.
gnomAD v4.1: 32 of 1,614,072 alleles (0.002%); highest among the groups gnomAD compares: Non-Finnish European, 0.0025%; no homozygotes.

Submission:

GeneDx
Classification: Uncertain significance. Last evaluated: 2019-02-15. Review status: criteria provided, single submitter. Criteria: GeneDx Variant Classification Process June 2021. Collection method: clinical testing. Allele origin: germline. Affected: yes.
Comment: Not observed at a significant frequency in large population cohorts (Lek et al., 2016); In silico analysis, which includes protein predictors and evolutionary conservation, supports that this variant does not alter protein structure/function; Has not been previously published as pathogenic or benign to our knowledge